The following is an entry in ClinVar:

ClinVar aggregate classification (germline): Uncertain significance (1 of 4 stars; one submission).

Conditions:
Hereditary cancer-predisposing syndrome. Also called: Neoplastic Syndromes, Hereditary; Tumor predisposition; Hereditary Cancer Syndrome; Hereditary neoplastic syndrome. Identifiers: Orphanet 140162, MedGen C0027672, MeSH D009386, MONDO:0015356.

Submission:

Ambry Genetics
Classification: Uncertain significance for Hereditary cancer-predisposing syndrome. Last evaluated: 2019-11-28. Review status: criteria provided, single submitter. Criteria: Ambry Variant Classification Scheme 2023. Collection method: clinical testing. Allele origin: germline.
Comment: The p.P680A variant (also known as c.2038C>G), located in coding exon 13 of the SMARCA4 gene, results from a C to G substitution at nucleotide position 2038. The proline at codon 680 is replaced by alanine, an amino acid with highly similar properties. This amino acid position is not well conserved in available vertebrate species. In addition, this alteration is predicted to be tolerated by in silico analysis. Since supporting evidence is limited at this time, the clinical significance of this alteration remains unclear.

NM_003072.5(SMARCA4):c.2038C>G (p.Pro680Ala)

Gene: SMARCA4 (SWI/SNF related BAF chromatin remodeling complex subunit ATPase 4; plus strand). Cytogenetic location: 19p13.2.
Variant type: single nucleotide variant.
Coding change: c.2038C>G on transcript NM_003072.5 (MANE Select); coding-DNA position 2038, C replaced by G.
Protein change: p.Pro680Ala; replaces proline 680 with alanine.
Molecular consequence: missense variant. On other transcripts: non-coding transcript variant (1).
Genome position (GRCh38, 1-based): chr19:11,007,938, C>G. VCF-style: chr19-11007938-C-G. GRCh37 (hg19) VCF-style: chr19-11118614-C-G.
Other names: c.2038C>G, p.Pro680Ala (NM_001128844.3, NM_001128845.2, NM_001128846.2 and 4 more transcripts); short protein forms P680A.
Identifiers: ClinVar variation 820567 (VCV000820567.4), dbSNP rs1600167694, ClinGen allele CA404052443.